The following is an entry in ClinVar:

NM_014915.3(ANKRD26):c.3419A>G (p.Gln1140Arg)

Gene: ANKRD26 (ankyrin repeat domain 26; minus strand). Cytogenetic location: 10p12.1.
Variant type: single nucleotide variant.
Coding change: c.3419A>G on transcript NM_014915.3 (MANE Select); coding-DNA position 3419, A replaced by G.
Protein change: p.Gln1140Arg; replaces glutamine 1140 with arginine.
Molecular consequence: missense variant.
Genome position (GRCh38, 1-based): chr10:27,035,031, T>C on the plus strand (A>G on the coding strand, the complement: ANKRD26 is on the minus strand). VCF-style: chr10-27035031-T-C. GRCh37 (hg19) VCF-style: chr10-27323960-T-C.
Other names: c.3416A>G, p.Gln1139Arg (NM_001256053.2); short protein forms Q1140R, Q1139R.
Identifiers: ClinVar variation 3914292 (VCV003914292.2).

ClinVar aggregate classification (germline): Uncertain significance. Review status: criteria provided, multiple submitters, no conflicts (2 of 4 stars). 2 submissions from 2 submitters: Uncertain significance (2). Last evaluated 2025-07-29.

Conditions:
Inborn genetic diseases. Identifiers: MedGen C0950123, MeSH D030342.

gnomAD v4.1: 1 of 1,614,008 alleles (0.000062%); highest among the groups gnomAD compares: Non-Finnish European, 0.000085%; no homozygotes.

Submissions (2):

Labcorp Genetics (formerly Invitae), Labcorp
Classification: Uncertain significance. Last evaluated: 2025-07-29. Review status: criteria provided, single submitter. Criteria: Invitae Variant Classification Sherloc (09022015). Collection method: clinical testing. Allele origin: germline.
Comment: This sequence change replaces glutamine, which is neutral and polar, with arginine, which is basic and polar, at codon 1140 of the ANKRD26 protein (p.Gln1140Arg). This variant is not present in population databases (gnomAD no frequency). This variant has not been reported in the literature in individuals affected with ANKRD26-related conditions. ClinVar contains an entry for this variant (Variation ID: 3914292). An algorithm developed to predict the effect of missense changes on protein structure and function (PolyPhen-2) suggests that this variant is likely to be disruptive. In summary, the available evidence is currently insufficient to determine the role of this variant in disease. Therefore, it has been classified as a Variant of Uncertain Significance.

Ambry Genetics
Classification: Uncertain significance for Inborn genetic diseases. Last evaluated: 2025-05-08. Review status: criteria provided, single submitter. Criteria: Ambry Variant Classification Scheme 2023. Collection method: clinical testing. Allele origin: germline.
Comment: The p.Q1140R variant (also known as c.3419A>G), located in coding exon 24 of the ANKRD26 gene, results from an A to G substitution at nucleotide position 3419. The glutamine at codon 1140 is replaced by arginine, an amino acid with highly similar properties. This amino acid position is conserved. In addition, this alteration is predicted to be tolerated by in silico analysis. Based on the available evidence, the clinical significance of this variant remains unclear.